The following is an entry in ClinVar:

ClinVar aggregate classification (germline): Conflicting classifications of pathogenicity. Review status: criteria provided, conflicting classifications (1 of 4 stars). 13 submissions from 13 submitters: Uncertain significance (1); Benign (7); Likely benign (3). 2 of the submissions do not count toward it. Last evaluated 2026-01-28.

Conditions:
TSC2-related disorder. Also called: TSC2-related condition; TSC2-Related Disorders.
Hereditary cancer-predisposing syndrome. Also called: Hereditary Cancer Syndrome; Tumor predisposition; Neoplastic Syndromes, Hereditary; Hereditary neoplastic syndrome. Identifiers: Orphanet 140162, MedGen C0027672, MeSH D009386, MONDO:0015356.
Tuberous sclerosis syndrome (TSC). Also called: Tuberous Sclerosis Complex; Tuberous sclerosis. Identifiers: Orphanet 805, MedGen C0041341, MONDO:0001734.
Tuberous sclerosis 2 (TSC2). Identifiers: Orphanet 805, MedGen C1860707, MONDO:0013199, OMIM 613254.

Allele frequency attached by ClinVar (database versions not stated): gnomAD 0.00017 and 0.00016; ESP Exome Variant Server 0.00038; ExAC 0.00005; TOPMed 0.00013.

Submissions (13):

Labcorp Genetics (formerly Invitae), Labcorp
Classification: Benign for Tuberous sclerosis 2. Last evaluated: 2026-01-28. Review status: criteria provided, single submitter. Criteria: Invitae Variant Classification Sherloc (09022015). Collection method: clinical testing. Allele origin: germline.

Myriad Genetics, Inc.
Classification: Likely benign for Tuberous sclerosis 2. Last evaluated: 2025-06-05. Review status: criteria provided, single submitter. Criteria: Myriad Autosomal Dominant, Autosomal Recessive and X-Linked Classification Criteria (2023). Collection method: clinical testing. Allele origin: unknown.
Comment: This variant is considered likely benign. This variant has been observed at a population frequency that is significantly greater than expected given the associated disease prevalence and penetrance.

Laboratory of Genetics, Children's Clinical University Hospital Latvia
Classification: Benign. Last evaluated: 2025-02-16. Review status: criteria provided, single submitter. Criteria: ACMG Guidelines, 2015. Collection method: clinical testing. Allele origin: germline. Affected: yes.

Blueprint Genetics
Classification: Likely benign. Last evaluated: 2024-07-19. Review status: criteria provided, single submitter. Criteria: ACMG Guidelines, 2015. Collection method: clinical testing. Allele origin: germline.

Quest Diagnostics Nichols Institute San Juan Capistrano
Classification: Benign. Last evaluated: 2023-09-05. Review status: criteria provided, single submitter. Criteria: Quest Diagnostics criteria. Collection method: clinical testing. Allele origin: unknown.
Comment: The frequency of this variant in the general population is higher than would generally be expected for pathogenic variants in this gene. Computational tools predict this amino acid change may be benign. This variant has been seen where an alternate explanation for disease was also identified.

Color Diagnostics, LLC DBA Color Health
Classification: Benign for Tuberous sclerosis syndrome. Last evaluated: 2023-01-05. Review status: criteria provided, single submitter. Criteria: ACMG Guidelines, 2015. Collection method: clinical testing. Allele origin: germline.

Genome-Nilou Lab
Classification: Benign for Tuberous sclerosis 2. Last evaluated: 2021-11-07. Review status: criteria provided, single submitter. Criteria: ACMG Guidelines, 2015. Collection method: clinical testing. Allele origin: germline. Affected: no.

Sema4
Classification: Benign for Hereditary cancer-predisposing syndrome. Last evaluated: 2021-07-02. Review status: criteria provided, single submitter. Criteria: Sema4 Curation Guidelines. Collection method: curation. Allele origin: germline.

Ambry Genetics
Classification: Likely benign for Hereditary cancer-predisposing syndrome. Last evaluated: 2018-12-10. Review status: criteria provided, single submitter. Criteria: Ambry Variant Classification Scheme 2023. Collection method: clinical testing. Allele origin: germline.

GeneDx
Classification: Benign. Last evaluated: 2018-01-22. Review status: criteria provided, single submitter. Criteria: GeneDx Variant Classification (06012015). Collection method: clinical testing. Allele origin: germline. Affected: yes.
Comment: This variant is considered likely benign or benign based on one or more of the following criteria: it is a conservative change, it occurs at a poorly conserved position in the protein, it is predicted to be benign by multiple in silico algorithms, and/or has population frequency not consistent with disease.

CeGaT Center for Human Genetics Tuebingen
Classification: Uncertain significance. Last evaluated: 2017-08-01. Review status: criteria provided, single submitter. Criteria: CeGaT Center For Human Genetics Tuebingen Variant Classification Criteria Version 2. Collection method: clinical testing. Allele origin: germline. Affected: yes. Observed: 1 variant allele.

PreventionGenetics, part of Exact Sciences
Classification: Likely benign for TSC2-related condition. Last evaluated: 2022-05-13. Review status: no assertion criteria provided. Collection method: clinical testing. Allele origin: germline. Not counted in ClinVar's aggregate classification.
Comment: This variant is classified as likely benign based on ACMG/AMP sequence variant interpretation guidelines (Richards et al. 2015 PMID: 25741868, with internal and published modifications).

Tuberous sclerosis database (TSC2)
No classification provided. Condition: TSC. Review status: no classification provided. Criteria: Tuberous Sclerosis Database Assertion Criteria 2015. Collection method: curation. Allele origin: germline. Affected: yes. Not counted in ClinVar's aggregate classification.

NM_000548.5(TSC2):c.5035G>A (p.Glu1679Lys)

Gene: TSC2 (TSC complex subunit 2; plus strand). Cytogenetic location: 16p13.3.
Variant type: single nucleotide variant.
Coding change: c.5035G>A on transcript NM_000548.5 (MANE Select); coding-DNA position 5035, G replaced by A.
Protein change: p.Glu1679Lys; replaces glutamic acid 1679 with lysine.
Molecular consequence: missense variant.
Genome position (GRCh38, 1-based): chr16:2,087,908, G>A. VCF-style: chr16-2087908-G-A. GRCh37 (hg19) VCF-style: chr16-2137909-G-A.
Other names: p.E1679K:GAG>AAG; c.4834G>A, p.Glu1612Lys (NM_001077183.3); c.4966G>A, p.Glu1656Lys (NM_001114382.3); c.4726G>A, p.Glu1576Lys (NM_001318827.2); c.4690G>A, p.Glu1564Lys (NM_001318829.2); c.4303G>A, p.Glu1435Lys (NM_001318831.2); c.4867G>A, p.Glu1623Lys (NM_001318832.2); c.4837G>A, p.Glu1613Lys (NM_001363528.2); and 3 more; short protein forms E1679K, E1564K, E1635K, E1435K, E1576K, E1612K, E1613K, E1623K.
Identifiers: ClinVar variation 65289 (VCV000065289.69), dbSNP rs370404391, ClinGen allele CA021570.
Genomic context (GRCh38, chr16:2,087,908, plus strand): 5'-CTCTTGTCCGGGCAGGGCCAGTTCAACTTTGTCCACGTGATCGTCACCCCGCTGGACTAC[G>A]AGTGCAACCTGGTGTCCCTGCAGTGCAGGAAAGGTAGGGCCGGGTGGGGCCCTGCAGTGC-3'
Protein context (NP_000539.2, residues 1669-1689): VHVIVTPLDY[Glu1679Lys]CNLVSLQCRK